The following is an entry in ClinVar:

NM_000537.4(REN):c.1032G>A (p.Thr344=)

Gene: REN (renin; minus strand). Cytogenetic location: 1q32.1.
Variant type: single nucleotide variant.
Coding change: c.1032G>A on transcript NM_000537.4 (MANE Select); coding-DNA position 1032, G replaced by A.
Protein change: p.Thr344=; no amino-acid change (threonine 344 retained).
Molecular consequence: synonymous variant.
Genome position (GRCh38, 1-based): chr1:204,155,847, C>T on the plus strand (G>A on the coding strand, the complement: REN is on the minus strand). VCF-style: chr1-204155847-C-T. GRCh37 (hg19) VCF-style: chr1-204124975-C-T.
Identifiers: ClinVar variation 876616 (VCV000876616.7), dbSNP rs149479425, ClinGen allele CA1344685.

ClinVar aggregate classification (germline): Conflicting classifications of pathogenicity. Review status: criteria provided, conflicting classifications (1 of 4 stars). 3 submissions from 2 submitters: Uncertain significance (1); Benign (1); Likely benign (1). Last evaluated 2023-08-27.

Conditions:
Renal tubular dysgenesis. Also called: Renotubular dysgenesis. Identifiers: Orphanet 3033, MedGen C0266313, MONDO:0017609, HP:0008660.
Familial juvenile hyperuricemic nephropathy type 2 (ADTKD4). Also called: Autosomal Dominant Tubulointerstitial Kidney Disease – REN; EARLY-ONSET HYPERURICEMIA, ANEMIA, AND PROGRESSIVE KIDNEY FAILURE. Identifiers: Orphanet 217330, MedGen C2751310, MONDO:0013128, OMIM 613092.

Allele frequency attached by ClinVar (database versions not stated): gnomAD 0.00008 and 0.00006; ESP Exome Variant Server 0.00015; gnomAD exomes 0.00020; ExAC 0.00024; 1000 Genomes Project 30x 0.00031; 1000 Genomes Project 0.00040; TOPMed 0.00005.
gnomAD v4.1: 147 of 1,614,030 alleles (0.0091%); highest among the groups gnomAD compares: South Asian, 0.098%; 1 homozygote.

Submissions (3):

Labcorp Genetics (formerly Invitae), Labcorp
Classification: Likely benign. Last evaluated: 2023-08-27. Review status: criteria provided, single submitter. Criteria: Invitae Variant Classification Sherloc (09022015). Collection method: clinical testing. Allele origin: germline.

Illumina Laboratory Services, Illumina
Classification: Benign for Familial juvenile hyperuricemic nephropathy type 2. Last evaluated: 2018-01-22. Review status: criteria provided, single submitter. Criteria: ICSL Variant Classification Criteria 13 December 2019. Collection method: clinical testing. Allele origin: germline.
Comment: This variant was observed in the ICSL laboratory as part of a predisposition screen in an ostensibly healthy population. It had not been previously curated by ICSL or reported in the Human Gene Mutation Database (HGMD: prior to June 1st, 2018), and was therefore a candidate for classification through an automated scoring system. Utilizing variant allele frequency, disease prevalence and penetrance estimates, and inheritance mode, an automated score was calculated to assess if this variant is too frequent to cause the disease. Based on the score and internal cut-off values, a variant classified as benign is not then subjected to further curation. The score for this variant resulted in a classification of benign for this disease.

Illumina Laboratory Services, Illumina
Classification: Uncertain significance for Renal tubular dysgenesis of genetic origin. Last evaluated: 2018-01-22. Review status: criteria provided, single submitter. Criteria: ICSL Variant Classification Criteria 13 December 2019. Collection method: clinical testing. Allele origin: germline.